The following is an entry in ClinVar:

NM_000163.5(GHR):c.785-3C>T

Gene: GHR (growth hormone receptor; plus strand). Cytogenetic location: 5p12.
Variant type: single nucleotide variant.
Coding change: c.785-3C>T on transcript NM_000163.5 (MANE Select); 3 bases into the intron before coding-DNA position 785, C replaced by T.
Molecular consequence: intron variant.
Genome position (GRCh38, 1-based): chr5:42,713,426, C>T. VCF-style: chr5-42713426-C-T. GRCh37 (hg19) VCF-style: chr5-42713528-C-T.
Other names: c.785-3C>T (NM_001242402.2, NM_001242403.3, NM_001242404.2 and 5 more transcripts); c.719-3C>T (NM_001242460.2); c.806-3C>T (NM_001242399.2).
Identifiers: ClinVar variation 3617469 (VCV003617469.2).

ClinVar aggregate classification (germline): Uncertain significance (1 of 4 stars; one submission).

gnomAD v4.1: 3 of 1,283,908 alleles (0.00023%); highest among the groups gnomAD compares: Non-Finnish European, 0.00034%; no homozygotes.

Submission:

Labcorp Genetics (formerly Invitae), Labcorp
Classification: Uncertain significance. Last evaluated: 2024-10-20. Review status: criteria provided, single submitter. Criteria: Invitae Variant Classification Sherloc (09022015). Collection method: clinical testing. Allele origin: germline.
Comment: This sequence change falls in intron 7 of the GHR gene. It does not directly change the encoded amino acid sequence of the GHR protein. It affects a nucleotide within the consensus splice site. This variant is present in population databases (no rsID available, gnomAD 0.0009%). This variant has not been reported in the literature in individuals affected with GHR-related conditions. Variants that disrupt the consensus splice site are a relatively common cause of aberrant splicing (PMID: 17576681, 9536098). Algorithms developed to predict the effect of sequence changes on RNA splicing suggest that this variant may disrupt the consensus splice site. In summary, the available evidence is currently insufficient to determine the role of this variant in disease. Therefore, it has been classified as a Variant of Uncertain Significance.

Literature cited by the submitters: PubMed 17576681; PubMed 9536098.